The following is an entry in ClinVar:

NM_003128.3(SPTBN1):c.1166T>G (p.Ile389Ser)

Gene: SPTBN1 (spectrin beta, non-erythrocytic 1; plus strand). Cytogenetic location: 2p16.2.
Variant type: single nucleotide variant.
Coding change: c.1166T>G on transcript NM_003128.3 (MANE Select); coding-DNA position 1166, T replaced by G.
Protein change: p.Ile389Ser; replaces isoleucine 389 with serine.
Molecular consequence: missense variant.
Genome position (GRCh38, 1-based): chr2:54,623,580, T>G. VCF-style: chr2-54623580-T-G. GRCh37 (hg19) VCF-style: chr2-54850717-T-G.
Other names: c.1127T>G, p.Ile376Ser (NM_178313.3); short protein forms I376S, I389S.
Identifiers: ClinVar variation 3897152 (VCV003897152.1).
Genomic context (GRCh38, chr2:54,623,580, plus strand): 5'-TTCAGAGCAAGATGAGGGCCAACAACCAGAAGGTCTACATGCCCCGGGAGGGGAAGCTCA[T>G]CTCTGACATCAACAAGGTAAAGTGGATCTGGACTCTGCATGGGCCCTGACCTCCTGGAGG-3'
Protein context (NP_003119.2, residues 379-399): KVYMPREGKL[Ile389Ser]SDINKAWERL

ClinVar aggregate classification (germline): Uncertain significance (1 of 4 stars; one submission).

Submission:

GeneDx
Classification: Uncertain significance. Last evaluated: 2024-11-05. Review status: criteria provided, single submitter. Criteria: GeneDx Variant Classification Process June 2021. Collection method: clinical testing. Allele origin: germline. Affected: yes.
Comment: Not observed at significant frequency in large population cohorts (gnomAD); In silico analysis supports that this missense variant has a deleterious effect on protein structure/function; Has not been previously published as pathogenic or benign to our knowledge